The following is an entry in ClinVar:

ClinVar aggregate classification (germline): Uncertain significance. Review status: criteria provided, multiple submitters, no conflicts (2 of 4 stars). 2 submissions from 2 submitters: Uncertain significance (2). Last evaluated 2026-02-27.

Conditions:
Inborn genetic diseases. Identifiers: MedGen C0950123, MeSH D030342.

Allele frequency attached by ClinVar (database versions not stated): gnomAD 0.00009; TOPMed 0.00009; 1000 Genomes Project 30x 0.00016; ExAC 0.00019; 1000 Genomes Project 0.00020; gnomAD exomes 0.00020; ESP Exome Variant Server 0.00023.
gnomAD v4.1: 308 of 1,611,760 alleles (0.019%); highest among the groups gnomAD compares: Admixed American, 0.027%; no homozygotes.

Submissions (2):

GeneDx
Classification: Uncertain significance. Last evaluated: 2026-02-27. Review status: criteria provided, single submitter. Criteria: GeneDx Variant Classification Process June 2021. Collection method: clinical testing. Allele origin: germline.
Comment: In silico analysis supports that this missense variant has a deleterious effect on protein structure/function; Has not been previously published as pathogenic or benign to our knowledge

Ambry Genetics
Classification: Uncertain significance for Inborn genetic diseases. Last evaluated: 2021-10-21. Review status: criteria provided, single submitter. Criteria: Ambry Variant Classification Scheme 2023. Collection method: clinical testing. Allele origin: germline.

NM_005932.4(MIPEP):c.1358G>A (p.Arg453His)

Gene: MIPEP (mitochondrial intermediate peptidase; minus strand). Cytogenetic location: 13q12.12.
Variant type: single nucleotide variant.
Coding change: c.1358G>A on transcript NM_005932.4 (MANE Select); coding-DNA position 1358, G replaced by A.
Protein change: p.Arg453His; replaces arginine 453 with histidine.
Molecular consequence: missense variant.
Genome position (GRCh38, 1-based): chr13:23,837,737, C>T on the plus strand (G>A on the coding strand, the complement: MIPEP is on the minus strand). VCF-style: chr13-23837737-C-T. GRCh37 (hg19) VCF-style: chr13-24411876-C-T.
Other names: short protein forms R453H.
Identifiers: ClinVar variation 2358284 (VCV002358284.4), dbSNP rs12858248, ClinGen allele CA6913004.